The following is an entry in ClinVar:

NM_002485.5(NBN):c.1726del (p.Ile576fs)

Gene: NBN (nibrin; minus strand). Cytogenetic location: 8q21.3.
Variant type: Deletion.
Coding change: c.1726del on transcript NM_002485.5 (MANE Select); coding-DNA position 1726, one base deleted (A; older notation c.1726delA).
Protein change: p.Ile576fs; shifts the reading frame from isoleucine 576.
Molecular consequence: frameshift variant.
Genome position (GRCh38, 1-based): chr8:89,953,363, T deleted on the plus strand (A on the coding strand, the reverse complement: NBN is on the minus strand); the first of 3 consecutive T bases (chr8:89,953,363-89,953,365); deleting any one gives the same sequence. VCF-style (leftmost placement, unchanged base first): chr8-89953362-AT-A. GRCh37 (hg19) VCF-style: chr8-90965590-AT-A.
Other names: c.1480del, p.Ile494fs (NM_001024688.3); short protein forms I576fs, I494fs.
Identifiers: ClinVar variation 2082939 (VCV002082939.4), dbSNP rs2488229908, ClinGen allele CA2580079002.

ClinVar aggregate classification (germline): Pathogenic (1 of 4 stars; one submission).

Conditions:
Microcephaly, normal intelligence and immunodeficiency (NBS). Also called: BERLIN BREAKAGE SYNDROME; Ataxia telangiectasia variant V1; Nijmegen breakage syndrome; Microcephaly with normal intelligence immunodeficiency and lymphoreticular malignancies; Nonsyndromal microcephaly autosomal recessive with normal intelligence; Seemanova syndrome 2. Identifiers: Orphanet 647, MedGen C0398791, MONDO:0009623, OMIM 251260.

Submission:

Labcorp Genetics (formerly Invitae), Labcorp
Classification: Pathogenic for Microcephaly, normal intelligence and immunodeficiency. Last evaluated: 2022-01-15. Review status: criteria provided, single submitter. Criteria: Invitae Variant Classification Sherloc (09022015). Collection method: clinical testing. Allele origin: germline.
Comment: This variant is not present in population databases (gnomAD no frequency). For these reasons, this variant has been classified as Pathogenic. This variant has not been reported in the literature in individuals affected with NBN-related conditions. This sequence change creates a premature translational stop signal (p.Ile576Leufs*3) in the NBN gene. It is expected to result in an absent or disrupted protein product. Loss-of-function variants in NBN are known to be pathogenic (PMID: 9590180, 16415040).

Literature cited by the submitters: PubMed 9590180; PubMed 16415040.